The following continues an entry in ClinVar:

NM_000492.4(CFTR):c.3095A>G (p.Tyr1032Cys)

ClinVar aggregate classification (germline): Pathogenic/Likely pathogenic. Pathogenic (11); Likely pathogenic (7).

Submissions 10 to 21 of 21:

Baylor Genetics
Classification: Pathogenic for Bronchiectasis with or without elevated sweat chloride 1. Last evaluated: 2024-01-16. Review status: criteria provided, single submitter. Criteria: ACMG Guidelines, 2015. Collection method: clinical testing. Allele origin: unknown.

Mayo Clinic Laboratories, Mayo Clinic
Classification: Pathogenic. Last evaluated: 2022-09-20. Review status: criteria provided, single submitter. Criteria: ACMG Guidelines, 2015. Collection method: clinical testing. Allele origin: germline. Observed: 4 variant alleles.
Comment: PM2, PM3, PS3

Institute of Reproductive Genetics, University of Münster
Classification: Pathogenic for Obstructive azoospermia. Last evaluated: 2022-03-16. Review status: criteria provided, single submitter. Criteria: ACMG Guidelines, 2015. Collection method: clinical testing. Allele origin: germline. Affected: yes. Observed: 1 variant allele.

Women's Health and Genetics/Laboratory Corporation of America, LabCorp
Classification: Pathogenic for Cystic fibrosis. Last evaluated: 2020-08-28. Review status: criteria provided, single submitter. Criteria: LabCorp Variant Classification Summary - May 2015. Collection method: clinical testing. Allele origin: germline.
Comment: Variant summary: CFTR c.3095A>G (p.Tyr1032Cys) results in a non-conservative amino acid change located in the ABC transporter type 1, transmembrane domain (IPR011527) of the encoded protein sequence. Five of five in-silico tools predict a damaging effect of the variant on protein function. The variant allele was found at a frequency of 1.6e-05 in 251624 control chromosomes. c.3095A>G has been reported in the literature and in multiple databases in compound heterozygous individuals with varying clinical consequences, ranging from Congenital Bilateral Absence of the Vas Deferens (CBAVD) to Cystic Fibrosis (usually with pancreatic sufficiency). There are 16 patients listed with this variant in the CFTR2 database, 27% of which are reported as pancreatic insufficient. These data indicate that the variant is very likely to be associated with disease. Several publications report experimental evidence evaluating an impact on protein function, indicating that the variant results in 10%-<30% of normal CFTR activity (e.g. Raraigh_2018, Han_2018, McCague_2019). Five other ClinVar submitters (evaluation after 2014) cite the variant as pathogenic/likely pathogenic. Based on the evidence outlined above, the variant was classified as pathogenic.

Illumina Laboratory Services, Illumina
Classification: Pathogenic for CFTR-Related Disorders. Last evaluated: 2018-09-06. Review status: criteria provided, single submitter. Criteria: ICSL Variant Classification Criteria 09 May 2019. Collection method: clinical testing. Allele origin: germline.
Comment: The CFTR c.3095A>G (p.Tyr1032Cys) missense variant has been reported in four probands in seven different studies (DÃ¶rk et al. 1997; Corbetta et al. 2002; Padoan et al. 2006; Ratbi et al. 2007; Seia et al. 2009; Ren et al. 2011; Leonardi et al. 2013). The p.Tyr1032Cys variant was commonly reported in combination with the well-described severe pathogenic variant, p.Phe508del. However, only two of the seven probands had a clearly positive chloride sweat test and would be considered to have classic CF (DÃ¶rk et al. 1997; Seia et al. 2009). The p.Tyr1032Cys variant is associated with a mild phenotype (Leonardi et al. 2013). Control data are unavailable for this variant, which is reported at a frequency of 0.000036 in the European (non-Finnish) population of the Genome Aggregation Database. Based on the evidence, the p.Tyr1032Cys variant is classified as pathogenic for CFTR-related disorders. This variant was observed by ICSL as part of a predisposition screen in an ostensibly healthy population.

ARUP Laboratories, Molecular Genetics and Genomics, ARUP Laboratories
Classification: Pathogenic. Last evaluated: 2018-06-18. Review status: criteria provided, single submitter. Criteria: ARUP Molecular Germline Variant Investigation Process. Collection method: clinical testing. Allele origin: germline.
Comment: The CFTR c.3095A>G; p.Tyr1032Cys variant (rs144055758) is reported in individuals with atypical cystic fibrosis (i.e. monosymptomatic disease) when in combination with a severe pathogenic variant (Dork 1997, Leonardi 2013, Ratbi 2007, Ren 2011). This variant has varying clinical consequences and is commonly associated with pancreatic sufficiency (CFTR2 database). It is reported as pathogenic or likely pathogenic in ClinVar (Variation ID: 35861), and is found in the general population at a low overall allele frequency of 0.002% (4/245758 alleles) in the Genome Aggregation Database. The tyrosine at codon 1032 is highly conserved and computational analyses (SIFT, PolyPhen-2) predict that this variant is deleterious. Based on available information, this variant is considered pathogenic and likely to be a mild pathogenic variant. REFERENCES CFTR2 database: Dork T et al. Distinct spectrum of CFTR gene mutations in congenital absence of vas deferens. Hum Genet. 1997 Sep;100(3-4):365-77. Leonardi S et al. Early acute pancreatitis in a child with compound heterozygosis F508/R1438W/Y1032C cystic fibrosis: a case report. J Med Case Rep. 2013 Jul 24;7:188. Ratbi I et al. Detection of cystic fibrosis transmembrane conductance regulator (CFTR) gene rearrangements enriches the mutation spectrum in congenital bilateral absence of the vas deferens and impacts on genetic counselling. Hum Reprod. 2007 May;22(5):1285-91 Ren CL et al. Clinical outcomes in infants with cystic fibrosis transmembrane conductance regulator (CFTR) related metabolic syndrome. Pediatr Pulmonol. 2011 Nov;46(11):1079-84.

Eurofins Ntd Llc (ga)
Classification: Likely pathogenic. Last evaluated: 2018-06-11. Review status: criteria provided, single submitter. Criteria: EGL ClinVar v180209 classification definitions. Collection method: clinical testing. Allele origin: germline. Observed: 2 variant alleles, 2 heterozygotes.

CFTR-France
Classification: Pathogenic for CFTR-related disorders. Last evaluated: 2018-01-29. Review status: criteria provided, single submitter. Criteria: Claustres M et al. (Hum Mutat 2017). Collection method: curation. Allele origin: germline. Affected: yes.

Baylor Genetics
Classification: Likely pathogenic for Congenital bilateral aplasia of vas deferens from CFTR mutation; Cystic fibrosis. Review status: criteria provided, single submitter. Criteria: ACMG Guidelines, 2015. Collection method: clinical testing. Allele origin: germline.

Genome Diagnostics Laboratory, The Hospital for Sick Children
Classification: Pathogenic for CFTR-related disorders. Last evaluated: 2021-03-19. Review status: no assertion criteria provided. Collection method: clinical testing. Allele origin: germline. Not counted in ClinVar's aggregate classification.

Baylor Genetics
Classification: Pathogenic for Cystic fibrosis. Review status: no assertion criteria provided. Collection method: clinical testing. Allele origin: unknown. Not counted in ClinVar's aggregate classification.

Genome Diagnostics Laboratory, The Hospital for Sick Children
Classification: Uncertain significance for Cystic fibrosis. Last evaluated: 2021-03-19. Review status: flagged submission. Criteria: ACMG Guidelines, 2015. Collection method: clinical testing. Allele origin: germline. Not counted in ClinVar's aggregate classification.
ClinVar note: Reason: Outlier claim with insufficient supporting evidence

Literature cited by the submitters: PubMed 9272157 (cited by 7 submitters); PubMed 17329263 (cited by 5 submitters); PubMed 19406970 (cited by 5 submitters); PubMed 21520337 (cited by 4 submitters); PubMed 23883480 (cited by 7 submitters); PubMed 29805046 (cited by 6 submitters); PubMed 12133923 (cited by 5 submitters); PubMed 16801189 (cited by 4 submitters); PubMed 21538969 (cited by 4 submitters); PubMed 25910067 (cited by 3 submitters); PubMed 26755536 (cited by Ambry Genetics); PubMed 27171515 (cited by 4 submitters); PubMed 28603918 (cited by 3 submitters); PubMed 30046002 (cited by 4 submitters); PubMed 30888834 (cited by 3 submitters); PubMed 38388235 (cited by Natera, Inc.); PubMed 31808782 (cited by Quest Diagnostics Nichols Institute San Juan Capistrano and Women's Health and Genetics/Laboratory Corporation of America, LabCorp); PubMed 20059485 (cited by Quest Diagnostics Nichols Institute San Juan Capistrano); PubMed 19318035 (cited by 3 submitters); PubMed 11504857 (cited by Quest Diagnostics Nichols Institute San Juan Capistrano); PubMed 31776420 (cited by Quest Diagnostics Nichols Institute San Juan Capistrano and Women's Health and Genetics/Laboratory Corporation of America, LabCorp); PubMed 28736296 (cited by Quest Diagnostics Nichols Institute San Juan Capistrano); PubMed 26277102 (cited by Quest Diagnostics Nichols Institute San Juan Capistrano); PubMed 11883825 (cited by Quest Diagnostics Nichols Institute San Juan Capistrano); PubMed 17407485 (cited by Quest Diagnostics Nichols Institute San Juan Capistrano).